The following is an entry in ClinVar:

NM_004606.5(TAF1):c.5012A>G (p.Asn1671Ser)

Gene: TAF1 (TATA-box binding protein associated factor 1; plus strand). Cytogenetic location: Xq13.1.
Variant type: single nucleotide variant.
Coding change: c.5012A>G on transcript NM_004606.5 (MANE Select); coding-DNA position 5012, A replaced by G.
Protein change: p.Asn1671Ser; replaces asparagine 1671 with serine.
Molecular consequence: missense variant. On other transcripts: non-coding transcript variant (9).
Genome position (GRCh38, 1-based): chrX:71,458,314, A>G. VCF-style: chrX-71458314-A-G. GRCh37 (hg19) VCF-style: chrX-70678164-A-G.
Other names: c.5018A>G, p.Asn1673Ser (NM_001286074.2); c.4949A>G, p.Asn1650Ser (NM_138923.4); short protein forms N1673S, N1650S, N1671S.
Identifiers: ClinVar variation 2070946 (VCV002070946.4), dbSNP rs989392058, ClinGen allele CA331022620.
Genomic context (GRCh38, chrX:71,458,314, plus strand): 5'-ATGATACCAACACATCCCTCAGTATGTCTCGAGATGCCTCTGTATTTCAAGATGAGAGCA[A>G]TATGTCTGTCTTGGATATTCCCAGTGCCACTCCAGAAAAGCAGGTAACACAGGTAGGATG-3'
Protein context (NP_004597.3, residues 1661-1681): RDASVFQDES[Asn1671Ser]MSVLDIPSAT

ClinVar aggregate classification (germline): Uncertain significance (1 of 4 stars; one submission).

Allele frequency attached by ClinVar (database versions not stated): gnomAD exomes below 0.00001; TOPMed 0.00001.
gnomAD v4.1: 1 of 1,211,865 alleles (0.000083%); highest among the groups gnomAD compares: African/African-American, 0.0017%; no homozygotes.

Submission:

Labcorp Genetics (formerly Invitae), Labcorp
Classification: Uncertain significance. Last evaluated: 2022-06-05. Review status: criteria provided, single submitter. Criteria: Invitae Variant Classification Sherloc (09022015). Collection method: clinical testing. Allele origin: germline.
Comment: This sequence change replaces asparagine, which is neutral and polar, with serine, which is neutral and polar, at codon 1691 of the TAF1 protein (p.Asn1691Ser). This variant is not present in population databases (gnomAD no frequency). This variant has not been reported in the literature in individuals affected with TAF1-related conditions. Advanced modeling of protein sequence and biophysical properties (such as structural, functional, and spatial information, amino acid conservation, physicochemical variation, residue mobility, and thermodynamic stability) performed at Invitae indicates that this missense variant is not expected to disrupt TAF1 protein function. In summary, the available evidence is currently insufficient to determine the role of this variant in disease. Therefore, it has been classified as a Variant of Uncertain Significance.